The following is an entry in ClinVar:

ClinVar aggregate classification (germline): Uncertain significance. Review status: criteria provided, multiple submitters, no conflicts (2 of 4 stars). 2 submissions from 2 submitters: Uncertain significance (2). Last evaluated 2025-02-19.

Allele frequency attached by ClinVar (database versions not stated): ExAC 0.00001; gnomAD exomes 0.00001.

Submissions (2):

Women's Health and Genetics/Laboratory Corporation of America, LabCorp
Classification: Uncertain significance. Last evaluated: 2025-02-19. Review status: criteria provided, single submitter. Criteria: LabCorp Variant Classification Summary - May 2015. Collection method: clinical testing. Allele origin: germline.

Labcorp Genetics (formerly Invitae), Labcorp
Classification: Uncertain significance. Last evaluated: 2024-10-17. Review status: criteria provided, single submitter. Criteria: Invitae Variant Classification Sherloc (09022015). Collection method: clinical testing. Allele origin: germline.
Comment: This sequence change replaces proline, which is neutral and non-polar, with serine, which is neutral and polar, at codon 228 of the COL7A1 protein (p.Pro228Ser). This variant is present in population databases (rs760414178, gnomAD 0.003%). This variant has not been reported in the literature in individuals affected with COL7A1-related conditions. ClinVar contains an entry for this variant (Variation ID: 2167171). An algorithm developed to predict the effect of missense changes on protein structure and function outputs the following: PolyPhen-2: "Not Available". The serine amino acid residue is found in multiple mammalian species, which suggests that this missense change does not adversely affect protein function. In summary, the available evidence is currently insufficient to determine the role of this variant in disease. Therefore, it has been classified as a Variant of Uncertain Significance.

NM_000094.4(COL7A1):c.682C>T (p.Pro228Ser)

Gene: COL7A1 (collagen type VII alpha 1 chain; minus strand). Cytogenetic location: 3p21.31.
Variant type: single nucleotide variant.
Coding change: c.682C>T on transcript NM_000094.4 (MANE Select); coding-DNA position 682, C replaced by T.
Protein change: p.Pro228Ser; replaces proline 228 with serine.
Molecular consequence: missense variant.
Genome position (GRCh38, 1-based): chr3:48,593,102, G>A on the plus strand (C>T on the coding strand, the complement: COL7A1 is on the minus strand). VCF-style: chr3-48593102-G-A. GRCh37 (hg19) VCF-style: chr3-48630535-G-A.
Other names: short protein forms P228S.
Identifiers: ClinVar variation 2167171 (VCV002167171.4), dbSNP rs760414178, ClinGen allele CA2381488.
Genomic context (GRCh38, chr3:48,593,102, plus strand): 5'-CCAAGTGGGGATTGGGGTCCGGGGTCTAGGTCAGGGTACACCGTGTGGGCAGGAACTCAC[G>A]AGGTCGGGTCACAGGCACGCCACCAGCAGTCGTGCACACTCTCCGGGAAACGAGGGGCAG-3'
Protein context (NP_000085.1, residues 218-238): TAGGVPVTRP[Pro228Ser]DDSTSAPRDL